The following is an entry in ClinVar:

ClinVar aggregate classification (germline): Uncertain significance. Review status: criteria provided, multiple submitters, no conflicts (2 of 4 stars). 2 submissions from 2 submitters: Uncertain significance (2). Last evaluated 2025-05-15.

Conditions:
Emery-Dreifuss muscular dystrophy 4, autosomal dominant (EDMD4). Also called: EMERY-DREIFUSS MUSCULAR DYSTROPHY 4 WITH VARIABLE FEATURES. Identifiers: Orphanet 261, MedGen C2751807, MONDO:0013071, OMIM 612998.
Autosomal recessive ataxia, Beauce type. Also called: ATAXIA, RECESSIVE, OF BEAUCE; SYNE1 Deficiency; Spinocerebellar ataxia, autosomal recessive 8; SYNE1-Related Autosomal Recessive Cerebellar Ataxia. Identifiers: Orphanet 88644, MedGen C1853116, MONDO:0012549, OMIM 610743.

Allele frequency attached by ClinVar (database versions not stated): gnomAD exomes below 0.00001; TOPMed 0.00002.
gnomAD v4.1: 10 of 1,614,054 alleles (0.00062%); highest among the groups gnomAD compares: African/African-American, 0.012%; no homozygotes.

Submissions (2):

Mayo Clinic Laboratories, Mayo Clinic
Classification: Uncertain significance. Last evaluated: 2025-05-15. Review status: criteria provided, single submitter. Criteria: ACMG Guidelines, 2015. Collection method: clinical testing. Allele origin: germline. Observed: 1 variant allele.
Comment: BP4, PP2, PM2_supporting

Labcorp Genetics (formerly Invitae), Labcorp
Classification: Uncertain significance for Emery-Dreifuss muscular dystrophy 4, autosomal dominant; Autosomal recessive ataxia, Beauce type. Last evaluated: 2022-09-01. Review status: criteria provided, single submitter. Criteria: Invitae Variant Classification Sherloc (09022015). Collection method: clinical testing. Allele origin: germline.
Comment: This variant has not been reported in the literature in individuals affected with SYNE1-related conditions. This variant is present in population databases (no rsID available, gnomAD 0.008%). This sequence change replaces histidine, which is basic and polar, with asparagine, which is neutral and polar, at codon 6717 of the SYNE1 protein (p.His6717Asn). ClinVar contains an entry for this variant (Variation ID: 861767). In summary, the available evidence is currently insufficient to determine the role of this variant in disease. Therefore, it has been classified as a Variant of Uncertain Significance. Algorithms developed to predict the effect of missense changes on protein structure and function (SIFT, PolyPhen-2, Align-GVGD) all suggest that this variant is likely to be disruptive.

NM_182961.4(SYNE1):c.20362C>A (p.His6788Asn)

Gene: SYNE1 (spectrin repeat containing nuclear envelope protein 1; minus strand). Cytogenetic location: 6q25.2.
Variant type: single nucleotide variant.
Coding change: c.20362C>A on transcript NM_182961.4 (MANE Select); coding-DNA position 20362, C replaced by A.
Protein change: p.His6788Asn; replaces histidine 6788 with asparagine.
Molecular consequence: missense variant.
Genome position (GRCh38, 1-based): chr6:152,236,141, G>T on the plus strand (C>A on the coding strand, the complement: SYNE1 is on the minus strand). VCF-style: chr6-152236141-G-T. GRCh37 (hg19) VCF-style: chr6-152557276-G-T.
Other names: p.His6717Asn; c.20149C>A, p.His6717Asn (NM_033071.5); short protein forms H6717N, H6788N.
Identifiers: ClinVar variation 861767 (VCV000861767.10), dbSNP rs949257779, ClinGen allele CA150193147.